The following is an entry in ClinVar:

NM_001035.3(RYR2):c.8513A>T (p.His2838Leu)

Gene: RYR2 (ryanodine receptor 2; plus strand). Cytogenetic location: 1q43.
Variant type: single nucleotide variant.
Coding change: c.8513A>T on transcript NM_001035.3 (MANE Select); coding-DNA position 8513, A replaced by T.
Protein change: p.His2838Leu; replaces histidine 2838 with leucine.
Molecular consequence: missense variant.
Genome position (GRCh38, 1-based): chr1:237,666,588, A>T. VCF-style: chr1-237666588-A-T. GRCh37 (hg19) VCF-style: chr1-237829888-A-T.
Other names: short protein forms H2838L.
Identifiers: ClinVar variation 2774348 (VCV002774348.2), dbSNP rs1200157786, ClinGen allele CA345402249.

ClinVar aggregate classification (germline): Uncertain significance (1 of 4 stars; one submission).

Conditions:
Cardiomyopathy (CMYO). Also called: Cardiomyopathies. Identifiers: Orphanet 167848, MedGen C0878544, MONDO:0004994, HP:0001638. Inheritance: Various modes of inheritance.

Submission:

Color Diagnostics, LLC DBA Color Health
Classification: Uncertain significance for Cardiomyopathy. Last evaluated: 2021-08-30. Review status: criteria provided, single submitter. Criteria: ACMG Guidelines, 2015. Collection method: clinical testing. Allele origin: germline.
Comment: This missense variant replaces histidine with leucine at codon 2838 of the RYR2 protein. Computational prediction suggests that this variant may not impact protein structure and function (internally defined REVEL score threshold <= 0.5, PMID: 27666373). To our knowledge, functional studies have not been reported for this variant. This variant has not been reported in individuals affected with cardiovascular disorders in the literature. This variant has not been identified in the general population by the Genome Aggregation Database (gnomAD). The available evidence is insufficient to determine the role of this variant in disease conclusively. Therefore, this variant is classified as a Variant of Uncertain Significance.